The following is an entry in ClinVar:

NM_001035.3(RYR2):c.551_554del (p.Val184fs)

Gene: RYR2 (ryanodine receptor 2; plus strand). Cytogenetic location: 1q43.
Variant type: Microsatellite.
Coding change: c.551_554del on transcript NM_001035.3 (MANE Select); coding-DNA positions 551 to 554, 4 bases deleted (TTAG; older notation c.551_554delTTAG).
Protein change: p.Val184fs; shifts the reading frame from valine 184.
Molecular consequence: frameshift variant.
Genome position (GRCh38, 1-based): chr1:237,377,410-237,377,413, TTAG deleted; deleting any 4 consecutive bases within chr1:237,377,406-237,377,413 gives the same sequence; the c. name uses the placement nearest the transcript's 3' end. VCF-style (leftmost placement, unchanged base first): chr1-237377405-CTTAG-C. GRCh37 (hg19) VCF-style: chr1-237540705-CTTAG-C.
Other names: short protein forms V184fs.
Identifiers: ClinVar variation 2414692 (VCV002414692.6), dbSNP rs2529993336, ClinGen allele CA529529445.

ClinVar aggregate classification (germline): Uncertain significance. Review status: criteria provided, multiple submitters, no conflicts (2 of 4 stars). 2 submissions from 2 submitters: Uncertain significance (2). Last evaluated 2025-03-05.

Conditions:
Catecholaminergic polymorphic ventricular tachycardia (CVPT). Also called: Catecholamine-induced polymorphic ventricular tachycardia. Identifiers: Orphanet 3286, MedGen C5574922, MONDO:0017990.
Catecholaminergic polymorphic ventricular tachycardia 1. Also called: VENTRICULAR TACHYCARDIA, CATECHOLAMINERGIC POLYMORPHIC, 1, WITH OR WITHOUT ATRIAL DYSFUNCTION AND/OR DILATED CARDIOMYOPATHY; VENTRICULAR TACHYCARDIA, STRESS-INDUCED POLYMORPHIC 1; RYR2-Related Catecholaminergic Polymorphic Ventricular Tachycardia. Identifiers: Orphanet 3286, MedGen C1631597, MONDO:0011484, OMIM 604772.

Submissions (2):

Labcorp Genetics (formerly Invitae), Labcorp
Classification: Uncertain significance for Catecholaminergic polymorphic ventricular tachycardia 1. Last evaluated: 2025-03-05. Review status: criteria provided, single submitter. Criteria: Invitae Variant Classification Sherloc (09022015). Collection method: clinical testing. Allele origin: germline.
Comment: This sequence change creates a premature translational stop signal (p.Val184Alafs*93) in the RYR2 gene. It is expected to result in an absent or disrupted protein product. However, the current clinical and genetic evidence is not sufficient to establish whether loss-of-function variants in RYR2 cause disease. This variant is not present in population databases (gnomAD no frequency). This variant has not been reported in the literature in individuals affected with RYR2-related conditions. ClinVar contains an entry for this variant (Variation ID: 2414692). In summary, the available evidence is currently insufficient to determine the role of this variant in disease. Therefore, it has been classified as a Variant of Uncertain Significance.

All of Us Research Program, National Institutes of Health
Classification: Uncertain significance for Catecholaminergic polymorphic ventricular tachycardia. Last evaluated: 2023-02-24. Review status: criteria provided, single submitter. Criteria: ACMG Guidelines, 2015. Collection method: clinical testing. Allele origin: germline. Inheritance: Autosomal dominant inheritance. Observed: 1 variant allele, 1 heterozygote.
Comment: This variant deletes 4 nucleotides in exon 8 of the RYR2 gene, creating a frameshift and premature translation stop signal. This variant is expected to result in an absent or non-functional protein product. To our knowledge, this variant has not been reported in individuals affected with cardiovascular disorders in the literature. This variant has not been identified in the general population by the Genome Aggregation Database (gnomAD). The role of loss-of-function RYR2 truncation and splice variants in autosomal dominant cardiovascular disorders is not clearly established. The available evidence is insufficient to determine the role of this variant in disease conclusively. Therefore, this variant is classified as a Variant of Uncertain Significance.

This study involves interpretation of variants in research participants for the purpose of population health screening. Participant phenotype was not available at the time of variant classification. Additional details can be found in publication PMID: 35346344, PMCID: PMC8962531